The following is an entry in ClinVar:

NM_006383.4(CIB2):c.531del (p.Asp178fs)

Gene: CIB2 (calcium and integrin binding family member 2; minus strand). Cytogenetic location: 15q25.1.
Variant type: Deletion.
Coding change: c.531del on transcript NM_006383.4 (MANE Select); coding-DNA position 531, one base deleted (T; older notation c.531delT).
Protein change: p.Asp178fs; shifts the reading frame from aspartic acid 178.
Molecular consequence: frameshift variant. On other transcripts: non-coding transcript variant (1).
Genome position (GRCh38, 1-based): chr15:78,105,750, A deleted on the plus strand (T on the coding strand, the reverse complement: CIB2 is on the minus strand). VCF-style (leftmost placement, unchanged base first): chr15-78105749-CA-C. GRCh37 (hg19) VCF-style: chr15-78398091-CA-C.
Other names: c.546del, p.Asp183fs (NM_001301224.2); c.402del, p.Asp135fs (NM_001271888.2); c.384del, p.Asp129fs (NM_001271889.2); short protein forms D129fs, D135fs, D178fs, D183fs.
Identifiers: ClinVar variation 3601920 (VCV003601920.1).

ClinVar aggregate classification (germline): Pathogenic (1 of 4 stars; one submission).

Conditions:
Autosomal recessive nonsyndromic hearing loss 48. Also called: Deafness, autosomal recessive 48; Usher Syndrome Type 1J. Identifiers: Orphanet 231169, Orphanet 886, Orphanet 90636, MedGen C1836199, MONDO:0012273, OMIM 609439.

Submission:

Institute of Rare Diseases, West China Hospital, Sichuan University
Classification: Pathogenic for Autosomal recessive nonsyndromic hearing loss 48. Last evaluated: 2025-01-09. Review status: criteria provided, single submitter. Criteria: ClinGen HL ACMG Specifications v1. Collection method: research. Allele origin: germline. Affected: yes.
Comment: PVS1;PM3_Supporting;PM2_Supporting